The following is an entry in ClinVar:

ClinVar aggregate classification (germline): Uncertain significance (1 of 4 stars; one submission).

Conditions:
Familial thoracic aortic aneurysm and aortic dissection (TAAD). Also called: Thoracic aortic aneurysms and dissections. Identifiers: Orphanet 91387, MedGen C4707243, MONDO:0019625.

Submission:

Ambry Genetics
Classification: Uncertain significance for Familial thoracic aortic aneurysm and aortic dissection. Last evaluated: 2020-11-06. Review status: criteria provided, single submitter. Criteria: Ambry Variant Classification Scheme 2023. Collection method: clinical testing. Allele origin: germline.
Comment: The p.C411G variant (also known as c.1231T>G), located in coding exon 7 of the TGFB3 gene, results from a T to G substitution at nucleotide position 1231. The cysteine at codon 411 is replaced by glycine, an amino acid with highly dissimilar properties. This amino acid position is highly conserved in available vertebrate species. In addition, this alteration is predicted to be deleterious by in silico analysis. Since supporting evidence is limited at this time, the clinical significance of this alteration remains unclear.

NM_003239.5(TGFB3):c.1231T>G (p.Cys411Gly)

Gene: TGFB3 (transforming growth factor beta 3; minus strand). Cytogenetic location: 14q24.3.
Variant type: single nucleotide variant.
Coding change: c.1231T>G on transcript NM_003239.5 (MANE Select); coding-DNA position 1231, T replaced by G.
Protein change: p.Cys411Gly; replaces cysteine 411 with glycine.
Molecular consequence: missense variant.
Genome position (GRCh38, 1-based): chr14:75,959,195, A>C on the plus strand (T>G on the coding strand, the complement: TGFB3 is on the minus strand). VCF-style: chr14-75959195-A-C. GRCh37 (hg19) VCF-style: chr14-76425538-A-C.
Other names: c.1231T>G, p.Cys411Gly (NM_001329939.2); short protein forms C411G.
Identifiers: ClinVar variation 1755782 (VCV001755782.2), dbSNP rs2504093432, ClinGen allele CA390466599.